The following is an entry in ClinVar:

ClinVar aggregate classification (germline): Pathogenic (1 of 4 stars; one submission).

Conditions:
Charcot-Marie-Tooth disease type 4. Also called: Charcot-Marie-Tooth disease, type IV; Charcot-Marie-Tooth, Type 4. Identifiers: Orphanet 64749, MedGen C4082197, MONDO:0018995.

Submission:

Labcorp Genetics (formerly Invitae), Labcorp
Classification: Pathogenic for Charcot-Marie-Tooth disease type 4. Last evaluated: 2024-09-09. Review status: criteria provided, single submitter. Criteria: Invitae Variant Classification Sherloc (09022015). Collection method: clinical testing. Allele origin: germline.
Comment: This sequence change creates a premature translational stop signal (p.Leu595Phefs*4) in the PRX gene. While this is not anticipated to result in nonsense mediated decay, it is expected to disrupt the last 867 amino acid(s) of the PRX protein. This variant is not present in population databases (gnomAD no frequency). This variant has not been reported in the literature in individuals affected with PRX-related conditions. This variant disrupts a region of the PRX protein in which other variant(s) ( p.Gln1168*) have been determined to be pathogenic (PMID: 21840889, 24078732, 29858556). This suggests that this is a clinically significant region of the protein, and that variants that disrupt it are likely to be disease-causing. For these reasons, this variant has been classified as Pathogenic.

Literature cited by the submitters: PubMed 21840889; PubMed 24078732; PubMed 29858556.

NM_181882.3(PRX):c.1782_1783insTTCCTGAGATGAAA (p.Leu595delinsPheLeuArgTer)

Gene: PRX (periaxin; minus strand). Cytogenetic location: 19q13.2.
Variant type: Insertion.
Coding change: c.1782_1783insTTCCTGAGATGAAA on transcript NM_181882.3 (MANE Select); coding-DNA positions 1782 to 1783, TTCCTGAGATGAAA inserted.
Protein change: p.Leu595delinsPheLeuArgTer.
Molecular consequence: nonsense. On other transcripts: 3 prime UTR variant (1).
Genome position: GRCh38 VCF-style: chr19-40396569-G-GTTTCATCTCAGGAA. GRCh37 (hg19) VCF-style: chr19-40902476-G-GTTTCATCTCAGGAA.
Other names: c.2067_2068insTTCCTGAGATGAAA, p.Leu690delinsPheLeuArgTer (NM_001411127.1); c.*1987_*1988insTTCCTGAGATGAAA (NM_020956.2).
Identifiers: ClinVar variation 3687942 (VCV003687942.2).
Genomic context (GRCh38, chr19:40,396,569, plus strand): 5'-CGGGCACGGCCATCTCGGGCACCTTCGGGAGTTGCACTTCAGGGAGTTTCATCTCAGGAA[G>GTTTCATCTCAGGAA]TTTCATCTCAGGCACCTTTGGAAGCTTCATCTCAGGGACTTTCATCTCTGGCACTTTCGG-3'